The following is an entry in ClinVar:

NM_000256.3(MYBPC3):c.3182A>C (p.Gln1061Pro)

Gene: MYBPC3 (myosin binding protein C3; minus strand). Cytogenetic location: 11p11.2.
Variant type: single nucleotide variant.
Coding change: c.3182A>C on transcript NM_000256.3 (MANE Select); coding-DNA position 3182, A replaced by C.
Protein change: p.Gln1061Pro; replaces glutamine 1061 with proline.
Molecular consequence: missense variant.
Genome position (GRCh38, 1-based): chr11:47,333,565, T>G on the plus strand (A>C on the coding strand, the complement: MYBPC3 is on the minus strand). VCF-style: chr11-47333565-T-G. GRCh37 (hg19) VCF-style: chr11-47355116-T-G.
Other names: short protein forms Q1061P.
Identifiers: ClinVar variation 3075273 (VCV003075273.1), dbSNP rs2495741326, ClinGen allele CA380314637.

ClinVar aggregate classification (germline): Uncertain significance (1 of 4 stars; one submission).

Conditions:
Hypertrophic cardiomyopathy. Also called: HYPERTROPHIC MYOCARDIOPATHY. Identifiers: Orphanet 217569, MedGen C0007194, MeSH D002312, MONDO:0005045, HP:0001639.

Submission:

All of Us Research Program, National Institutes of Health
Classification: Uncertain significance for Hypertrophic cardiomyopathy. Last evaluated: 2024-01-03. Review status: criteria provided, single submitter. Criteria: ACMG Guidelines, 2015. Collection method: clinical testing. Allele origin: germline. Inheritance: Autosomal dominant inheritance. Observed: 1 variant allele, 1 heterozygote.
Comment: This missense variant replaces glutamine with proline at codon 1061 of the MYBPC3 protein. Computational prediction is inconclusive regarding the impact of this variant on protein structure and function (internally defined REVEL score threshold 0.5 < inconclusive < 0.7, PMID: 27666373). To our knowledge, functional studies have not been reported for this variant. This variant has not been reported in individuals affected with MYBPC3-related disorders in the literature. This variant has not been identified in the general population by the Genome Aggregation Database (gnomAD). The available evidence is insufficient to determine the role of this variant in disease conclusively. Therefore, this variant is classified as a Variant of Uncertain Significance.

This study involves interpretation of variants in research participants for the purpose of population health screening. Participant phenotype was not available at the time of variant classification. Additional details can be found in publication PMID: 35346344, PMCID: PMC8962531